The following is an entry in ClinVar:

NM_003907.3(EIF2B5):c.812A>G (p.Asp271Gly)

Gene: EIF2B5 (eukaryotic translation initiation factor 2B subunit epsilon; plus strand). Cytogenetic location: 3q27.1.
Variant type: single nucleotide variant.
Coding change: c.812A>G on transcript NM_003907.3 (MANE Select); coding-DNA position 812, A replaced by G.
Protein change: p.Asp271Gly; replaces aspartic acid 271 with glycine.
Molecular consequence: missense variant.
Genome position (GRCh38, 1-based): chr3:184,140,126, A>G. VCF-style: chr3-184140126-A-G. GRCh37 (hg19) VCF-style: chr3-183857914-A-G.
Other names: short protein forms D271G.
Identifiers: ClinVar variation 976281 (VCV000976281.1), dbSNP rs749469874, ClinGen allele CA2726505.

ClinVar aggregate classification (germline): Likely pathogenic (1 of 4 stars; one submission).

Conditions:
Vanishing white matter disease. Also called: CACH syndrome; Leukoencephalopathy with vanishing white matter; CACH/VWM syndrome; Childhood ataxia with diffuse central nervous system hypomyelination; Cree leukoencehalopathy. Identifiers: Orphanet 135, Orphanet 99853, MedGen C1858991, MONDO:0800448.

Allele frequency attached by ClinVar (database versions not stated): gnomAD exomes below 0.00001 and 0.00001; ExAC 0.00001; gnomAD 0.00001; TOPMed 0.00002.

Submission:

Institute of Human Genetics, University of Leipzig Medical Center
Classification: Likely pathogenic for Leukoencephalopathy with vanishing white matter 1. Last evaluated: 2019-08-22. Review status: criteria provided, single submitter. Criteria: ACMG Guidelines, 2015. Collection method: clinical testing. Allele origin: germline. Affected: yes. Observed: 1 variant allele.
Comment: This variant was identified as homozygous